The following is an entry in ClinVar:

ClinVar aggregate classification (germline): Conflicting classifications of pathogenicity. Review status: criteria provided, conflicting classifications (1 of 4 stars). 4 submissions from 4 submitters: Uncertain significance (2); Benign (1). 1 of the submissions does not count toward it. Last evaluated 2025-12-16.

Conditions:
Inborn genetic diseases. Identifiers: MedGen C0950123, MeSH D030342.
DNAH9-related disorder. Also called: DNAH9-related condition.

Allele frequency attached by ClinVar (database versions not stated): gnomAD 0.00008 and 0.00018; TOPMed 0.00014; ESP Exome Variant Server 0.00015; gnomAD exomes 0.00027 and 0.00047; ExAC 0.00059; 1000 Genomes Project 30x 0.00078; 1000 Genomes Project 0.00100.
gnomAD v4.1: 414 of 1,614,194 alleles (0.026%); highest among the groups gnomAD compares: South Asian, 0.29%; 1 homozygote.

Submissions (4):

Labcorp Genetics (formerly Invitae), Labcorp
Classification: Benign. Last evaluated: 2025-12-16. Review status: criteria provided, single submitter. Criteria: Invitae Variant Classification Sherloc (09022015). Collection method: clinical testing. Allele origin: germline.

Blueprint Genetics
Classification: Uncertain significance. Last evaluated: 2024-08-27. Review status: criteria provided, single submitter. Criteria: ACMG Guidelines, 2015. Collection method: clinical testing. Allele origin: germline.

Ambry Genetics
Classification: Uncertain significance for Inborn genetic diseases. Last evaluated: 2022-06-28. Review status: criteria provided, single submitter. Criteria: Ambry Variant Classification Scheme 2023. Collection method: clinical testing. Allele origin: germline.

PreventionGenetics, part of Exact Sciences
Classification: Likely benign for DNAH9-related condition. Last evaluated: 2022-05-10. Review status: no assertion criteria provided. Collection method: clinical testing. Allele origin: germline. Not counted in ClinVar's aggregate classification.
Comment: This variant is classified as likely benign based on ACMG/AMP sequence variant interpretation guidelines (Richards et al. 2015 PMID: 25741868, with internal and published modifications).

NM_001372.4(DNAH9):c.4295G>A (p.Gly1432Asp)

Gene: DNAH9 (dynein axonemal heavy chain 9; plus strand). Cytogenetic location: 17p12.
Variant type: single nucleotide variant.
Coding change: c.4295G>A on transcript NM_001372.4 (MANE Select); coding-DNA position 4295, G replaced by A.
Protein change: p.Gly1432Asp; replaces glycine 1432 with aspartic acid.
Molecular consequence: missense variant.
Genome position (GRCh38, 1-based): chr17:11,690,117, G>A. VCF-style: chr17-11690117-G-A. GRCh37 (hg19) VCF-style: chr17-11593434-G-A.
Other names: c.4295G>A (NM_001372.3); short protein forms G1432D.
Identifiers: ClinVar variation 1601143 (VCV001601143.12), dbSNP rs200329184, ClinGen allele CA8395640.